The following is an entry in ClinVar:

NM_001370100.5(ZMYND11):c.516+3_516+6dup

Gene: ZMYND11 (zinc finger MYND-type containing 11; plus strand). Cytogenetic location: 10p15.3.
Variant type: Duplication.
Coding change: c.516+3_516+6dup on transcript NM_001370100.5 (MANE Select); bases 3 to 6 of the intron after coding-DNA position 516, 4 bases duplicated (GAGT; older notation c.516+3_516+6dupGAGT).
Molecular consequence: splice donor variant.
Genome position (GRCh38, 1-based): chr10:236,918-236,921, GAGT duplicated; duplicating any 4 consecutive bases within chr10:236,916-236,921 gives the same sequence; the c. name uses the placement nearest the transcript's 3' end. VCF-style (leftmost placement, unchanged base first): chr10-236915-G-GGTGA. GRCh37 (hg19) VCF-style: chr10-282855-G-GGTGA.
Other names: c.354+3_354+6dup (NM_001370103.2, NM_001370104.2, NM_001370105.2 and 11 more transcripts); c.516+3_516+6dup (NM_006624.7, NM_001370119.2, NM_001370098.2 and 10 more transcripts); c.396+3_396+6dup (NM_001370118.2); c.465+3_465+6dup (NM_001330057.3, NM_001370112.2); c.450+3_450+6dup (NM_001370116.2); c.288+3_288+6dup (NM_001370120.2); c.45+3_45+6dup (NM_001370124.3); c.303+3_303+6dup (NM_001370123.2); and 1 more.
Identifiers: ClinVar variation 5007699 (VCV005007699.2).

ClinVar aggregate classification (germline): Uncertain significance (1 of 4 stars; one submission).

Conditions:
Intellectual developmental disorder, autosomal dominant 30, with speech delay and behavioral abnormalities. Also called: Intellectual disability, autosomal dominant 30. Identifiers: Orphanet 436151, MedGen C4015167, MONDO:0014486, OMIM 616083.

Submission:

Juno Genomics, Hangzhou Juno Genomics, Inc
Classification: Uncertain significance for Intellectual developmental disorder, autosomal dominant 30, with speech delay and behavioral abnormalities. Review status: criteria provided, single submitter. Criteria: ACMG Guidelines, 2015. Collection method: clinical testing. Allele origin: germline.
Comment: Absent from controls (or at extremely low frequency if recessive) in Genome Aggregation Database.